The following is an entry in ClinVar:

NM_007078.3(LDB3):c.983C>T (p.Ser328Phe)

Gene: LDB3 (LIM domain binding 3; plus strand). Cytogenetic location: 10q23.2.
Variant type: single nucleotide variant.
Coding change: c.983C>T on transcript NM_007078.3 (MANE Select); coding-DNA position 983, C replaced by T.
Protein change: p.Ser328Phe; replaces serine 328 with phenylalanine.
Molecular consequence: missense variant. On other transcripts: intron variant (4).
Genome position (GRCh38, 1-based): chr10:86,706,617, C>T. VCF-style: chr10-86706617-C-T. GRCh37 (hg19) VCF-style: chr10-88466374-C-T.
Other names: c.842C>T, p.Ser281Phe (NM_001368066.1); c.897-3288C>T (NM_001368064.1, NM_001368065.1); c.1101-3288C>T (NM_001171610.2); c.756-3288C>T (NM_001080114.2); short protein forms S281F, S328F.
Identifiers: ClinVar variation 4766745 (VCV004766745.1).

ClinVar aggregate classification (germline): Uncertain significance (1 of 4 stars; one submission).

Conditions:
Myofibrillar myopathy 4. Also called: Zaspopathy (type). Identifiers: Orphanet 98912, MedGen C4721886, MONDO:0012277, OMIM 609452.

gnomAD v4.1: 1 of 1,613,092 alleles (0.000062%); highest among the groups gnomAD compares: Non-Finnish European, 0.000085%; no homozygotes.

Submission:

Labcorp Genetics (formerly Invitae), Labcorp
Classification: Uncertain significance for Myofibrillar myopathy 4. Last evaluated: 2025-06-27. Review status: criteria provided, single submitter. Criteria: Invitae Variant Classification Sherloc (09022015). Collection method: clinical testing. Allele origin: germline.
Comment: The LDB3 gene has multiple clinically relevant transcripts. This variant occurs in alternate transcript NM_007078.3, and corresponds to NM_001080116.1:c.*7243C>T in the primary transcript. This sequence change replaces serine, which is neutral and polar, with phenylalanine, which is neutral and non-polar, at codon 328 of the LDB3 protein (p.Ser328Phe). This variant is not present in population databases (gnomAD no frequency). This variant has not been reported in the literature in individuals affected with LDB3-related conditions. Experimental studies and prediction algorithms are not available or were not evaluated, and the functional significance of this variant is currently unknown. In summary, the available evidence is currently insufficient to determine the role of this variant in disease. Therefore, it has been classified as a Variant of Uncertain Significance.